The following is an entry in ClinVar:

ClinVar aggregate classification (germline): Likely benign. Review status: criteria provided, multiple submitters, no conflicts (2 of 4 stars). 3 submissions from 3 submitters: Likely benign (3). Last evaluated 2025-11-11.

Conditions:
PDE6B-related disorder. Also called: PDE6B-related disease; PDE6B-related condition; PDE6B-related disorders.

Allele frequency attached by ClinVar (database versions not stated): ExAC 0.00001; TOPMed 0.00002; gnomAD exomes 0.00003.
gnomAD v4.1: 10 of 1,511,536 alleles (0.00066%); highest among the groups gnomAD compares: Admixed American, 0.013%; no homozygotes.

Submissions (3):

PreventionGenetics, part of Exact Sciences
Classification: Likely benign for PDE6B-related condition. Last evaluated: 2025-11-11. Review status: criteria provided, single submitter. Criteria: ACMG Guidelines, 2015. Collection method: clinical testing. Allele origin: germline.
Comment: This variant is classified as likely benign based on ACMG/AMP sequence variant interpretation guidelines (Richards et al. 2015 PMID: 25741868, with internal and published modifications).

Labcorp Genetics (formerly Invitae), Labcorp
Classification: Likely benign. Last evaluated: 2023-02-18. Review status: criteria provided, single submitter. Criteria: Invitae Variant Classification Sherloc (09022015). Collection method: clinical testing. Allele origin: germline.

Blueprint Genetics
Classification: Likely benign. Last evaluated: 2018-11-13. Review status: criteria provided, single submitter. Criteria: ACMG Guidelines, 2015. Collection method: clinical testing. Allele origin: germline.

NM_000283.4(PDE6B):c.2129+7G>A

Gene: PDE6B (phosphodiesterase 6B; plus strand). Cytogenetic location: 4p16.3.
Variant type: single nucleotide variant.
Coding change: c.2129+7G>A on transcript NM_000283.4 (MANE Select); 7 bases into the intron after coding-DNA position 2129, G replaced by A.
Molecular consequence: intron variant.
Genome position (GRCh38, 1-based): chr4:664,228, G>A. VCF-style: chr4-664228-G-A. GRCh37 (hg19) VCF-style: chr4-658017-G-A.
Other names: c.2129+7G>A (NM_001145291.2, NM_000283.3); c.1292+7G>A (NM_001379246.1, NM_001379247.1, NM_001145292.2 and 1 more transcripts); c.974+7G>A (NM_001350155.3).
Identifiers: ClinVar variation 1530767 (VCV001530767.10), dbSNP rs761148108, ClinGen allele CA2794863.
Genomic context (GRCh38, chr4:664,228, plus strand): 5'-GAAGAGCTGGGTGGAGTACCTGTCCCTGGAGACGACCCGGAAGGAGATCGTCATGTGAGC[G>A]CGGGCGGAGGGGGCACGAGGGGTCCTTCCCTCGCAGGGACCGGGCCCACTCACCAGCTGG-3'